The following is an entry in ClinVar:

ClinVar aggregate classification (germline): Likely benign. Review status: criteria provided, multiple submitters, no conflicts (2 of 4 stars). 2 submissions from 2 submitters: Likely benign (2). Last evaluated 2025-06-30.

Allele frequency attached by ClinVar (database versions not stated): ExAC 0.00002; gnomAD 0.00006; ESP Exome Variant Server 0.00008; TOPMed 0.00008; gnomAD exomes 0.00015.
gnomAD v4.1: 229 of 1,613,966 alleles (0.014%); highest among the groups gnomAD compares: Non-Finnish European, 0.019%; no homozygotes.

Submissions (2):

Athena Diagnostics
Classification: Likely benign. Last evaluated: 2025-06-30. Review status: criteria provided, single submitter. Criteria: Athena Diagnostics Criteria. Collection method: clinical testing. Allele origin: unknown.
Comment: Computational tools yielded predictions that this variant is unlikely to have an effect on normal RNA splicing. This nucleotide position exhibits low evolutionary conservation.

Labcorp Genetics (formerly Invitae), Labcorp
Classification: Likely benign. Last evaluated: 2024-05-15. Review status: criteria provided, single submitter. Criteria: Invitae Variant Classification Sherloc (09022015). Collection method: clinical testing. Allele origin: germline.

NM_001278064.2(GRM1):c.147C>T (p.Ala49=)

Gene: GRM1 (glutamate metabotropic receptor 1; plus strand). Cytogenetic location: 6q24.3.
Variant type: single nucleotide variant.
Coding change: c.147C>T on transcript NM_001278064.2 (MANE Select); coding-DNA position 147, C replaced by T.
Protein change: p.Ala49=; no amino-acid change (alanine 49 retained).
Molecular consequence: synonymous variant.
Genome position (GRCh38, 1-based): chr6:146,029,664, C>T. VCF-style: chr6-146029664-C-T. GRCh37 (hg19) VCF-style: chr6-146350800-C-T.
Other names: c.147C>T, p.Ala49= (NM_001278065.2, NM_001278066.1, NM_001278067.1); c.147C>T (NM_001278064.1).
Identifiers: ClinVar variation 2891908 (VCV002891908.5), dbSNP rs370752444, ClinGen allele CA4037006.